The following is an entry in ClinVar:

NM_032043.3(BRIP1):c.3727G>A (p.Gly1243Ser)

Gene: BRIP1 (BRCA1 interacting DNA helicase 1; minus strand). Cytogenetic location: 17q23.2.
Variant type: single nucleotide variant.
Coding change: c.3727G>A on transcript NM_032043.3 (MANE Select); coding-DNA position 3727, G replaced by A.
Protein change: p.Gly1243Ser; replaces glycine 1243 with serine.
Molecular consequence: missense variant.
Genome position (GRCh38, 1-based): chr17:61,683,319, C>T on the plus strand (G>A on the coding strand, the complement: BRIP1 is on the minus strand). VCF-style: chr17-61683319-C-T. GRCh37 (hg19) VCF-style: chr17-59760680-C-T.
Other names: short protein forms G1243S.
Identifiers: ClinVar variation 2626387 (VCV002626387.2), dbSNP rs587780250, ClinGen allele CA400477736.

ClinVar aggregate classification (germline): Uncertain significance (1 of 4 stars; one submission).

Conditions:
Hereditary cancer-predisposing syndrome. Also called: Tumor predisposition; Hereditary Cancer Syndrome; Hereditary neoplastic syndrome; Neoplastic Syndromes, Hereditary. Identifiers: Orphanet 140162, MedGen C0027672, MeSH D009386, MONDO:0015356.

gnomAD v4.1: 1 of 1,610,214 alleles (0.000062%); highest among the groups gnomAD compares: Non-Finnish European, 0.000085%; no homozygotes.

Submission:

Ambry Genetics
Classification: Uncertain significance for Hereditary cancer-predisposing syndrome. Last evaluated: 2023-08-10. Review status: criteria provided, single submitter. Criteria: Ambry Variant Classification Scheme 2023. Collection method: clinical testing. Allele origin: germline.
Comment: The p.G1243S variant (also known as c.3727G>A), located in coding exon 19 of the BRIP1 gene, results from a G to A substitution at nucleotide position 3727. The glycine at codon 1243 is replaced by serine, an amino acid with similar properties. This amino acid position is conserved. In addition, this alteration is predicted to be tolerated by in silico analysis. Since supporting evidence is limited at this time, the clinical significance of this alteration remains unclear.